The following is an entry in ClinVar:

ClinVar aggregate classification (germline): Uncertain significance. Review status: criteria provided, multiple submitters, no conflicts (2 of 4 stars). 2 submissions from 2 submitters: Uncertain significance (2). Last evaluated 2026-01-17.

Conditions:
Inborn genetic diseases. Identifiers: MedGen C0950123, MeSH D030342.

Allele frequency attached by ClinVar (database versions not stated): TOPMed 0.00003; ESP Exome Variant Server 0.00008.

Submissions (2):

Labcorp Genetics (formerly Invitae), Labcorp
Classification: Uncertain significance. Last evaluated: 2026-01-17. Review status: criteria provided, single submitter. Criteria: Invitae Variant Classification Sherloc (09022015). Collection method: clinical testing. Allele origin: germline.
Comment: This sequence change replaces valine, which is neutral and non-polar, with phenylalanine, which is neutral and non-polar, at codon 106 of the DUOX2 protein (p.Val106Phe). This variant is present in population databases (rs143091240, gnomAD 0.002%). This variant has not been reported in the literature in individuals affected with DUOX2-related conditions. ClinVar contains an entry for this variant (Variation ID: 2286369). Invitae Evidence Modeling of protein sequence and biophysical properties (such as structural, functional, and spatial information, amino acid conservation, physicochemical variation, residue mobility, and thermodynamic stability) indicates that this missense variant is expected to disrupt DUOX2 protein function with a positive predictive value of 80%. In summary, the available evidence is currently insufficient to determine the role of this variant in disease. Therefore, it has been classified as a Variant of Uncertain Significance.

Ambry Genetics
Classification: Uncertain significance for Inborn genetic diseases. Last evaluated: 2024-06-17. Review status: criteria provided, single submitter. Criteria: Ambry Variant Classification Scheme 2023. Collection method: clinical testing. Allele origin: germline.

NM_001363711.2(DUOX2):c.316G>T (p.Val106Phe)

Gene: DUOX2 (dual oxidase 2; minus strand). Cytogenetic location: 15q21.1.
Variant type: single nucleotide variant.
Coding change: c.316G>T on transcript NM_001363711.2 (MANE Select); coding-DNA position 316, G replaced by T.
Protein change: p.Val106Phe; replaces valine 106 with phenylalanine.
Molecular consequence: missense variant.
Genome position (GRCh38, 1-based): chr15:45,112,563, C>A on the plus strand (G>T on the coding strand, the complement: DUOX2 is on the minus strand). VCF-style: chr15-45112563-C-A. GRCh37 (hg19) VCF-style: chr15-45404761-C-A.
Other names: c.316G>T, p.Val106Phe (NM_014080.5); short protein forms V106F.
Identifiers: ClinVar variation 2286369 (VCV002286369.4), dbSNP rs143091240, ClinGen allele CA7539031.